The following is an entry in ClinVar:

ClinVar aggregate classification (germline): Likely benign. Review status: criteria provided, multiple submitters, no conflicts (2 of 4 stars). 3 submissions from 3 submitters: Likely benign (2). 1 of the submissions does not count toward it. Last evaluated 2025-08-26.

Conditions:
SP110-related disorder. Also called: SP110-related condition.
Hepatic veno-occlusive disease-immunodeficiency syndrome. Also called: Hepatic Veno-Occlusive Disease with Immunodeficiency. Identifiers: Orphanet 79124, MedGen C1856128, MONDO:0009338, OMIM 235550. Disease mechanism: loss of function.

Allele frequency attached by ClinVar (database versions not stated): ExAC 0.00013; ESP Exome Variant Server 0.00015; TOPMed 0.00004; gnomAD 0.00005; gnomAD exomes 0.00008.
gnomAD v4.1: 116 of 1,613,780 alleles (0.0072%); highest among the groups gnomAD compares: Non-Finnish European, 0.0095%; no homozygotes.

Submissions (3):

Labcorp Genetics (formerly Invitae), Labcorp
Classification: Likely benign for Hepatic veno-occlusive disease-immunodeficiency syndrome. Last evaluated: 2025-08-26. Review status: criteria provided, single submitter. Criteria: Invitae Variant Classification Sherloc (09022015). Collection method: clinical testing. Allele origin: germline.

Blueprint Genetics
Classification: Likely benign. Last evaluated: 2024-10-28. Review status: criteria provided, single submitter. Criteria: ACMG Guidelines, 2015. Collection method: clinical testing. Allele origin: germline.

PreventionGenetics, part of Exact Sciences
Classification: Likely benign for SP110-related condition. Last evaluated: 2019-04-25. Review status: no assertion criteria provided. Collection method: clinical testing. Allele origin: germline. Not counted in ClinVar's aggregate classification.
Comment: This variant is classified as likely benign based on ACMG/AMP sequence variant interpretation guidelines (Richards et al. 2015 PMID: 25741868, with internal and published modifications).

NM_080424.4(SP110):c.144C>T (p.Tyr48=)

Genes: SP110 (SP110 nuclear body protein; minus strand), SP140 (SP140 nuclear body protein; plus strand). Cytogenetic location: 2q37.1.
Variant type: single nucleotide variant.
Coding change: c.144C>T on transcript NM_080424.4 (MANE Select); coding-DNA position 144, C replaced by T.
Protein change: p.Tyr48=; no amino-acid change (tyrosine 48 retained).
Molecular consequence: synonymous variant.
Genome position (GRCh38, 1-based): chr2:230,216,784, G>A on the plus strand (C>T on the coding strand, the complement: SP110 is on the minus strand). VCF-style: chr2-230216784-G-A. GRCh37 (hg19) VCF-style: chr2-231081499-G-A.
Other names: c.162C>T, p.Tyr54= (NM_001185015.2, NM_001378442.1, NM_001378444.1 and 2 more transcripts); c.144C>T, p.Tyr48= (NM_001378443.1, NM_001378447.1, NM_004509.5 and 1 more transcripts); c.144C>T (NM_004509.3).
Identifiers: ClinVar variation 1145733 (VCV001145733.12), dbSNP rs201435337, ClinGen allele CA2154908.